The following is an entry in ClinVar:

ClinVar aggregate classification (germline): Benign/Likely benign. Review status: criteria provided, multiple submitters, no conflicts (2 of 4 stars). 8 submissions from 8 submitters: Benign (1); Likely benign (6). 1 of the submissions does not count toward it. Last evaluated 2026-06-04.

Conditions:
KIT-related disorder. Also called: KIT-related condition.
Hereditary cancer-predisposing syndrome. Also called: Tumor predisposition; Hereditary neoplastic syndrome; Hereditary Cancer Syndrome; Neoplastic Syndromes, Hereditary. Identifiers: Orphanet 140162, MedGen C0027672, MeSH D009386, MONDO:0015356.
Gastrointestinal stromal tumor. Also called: Gastrointestinal stromal tumor, somatic; Gastrointestinal stroma tumor. Identifiers: Orphanet 44890, MedGen C0238198, MeSH D046152, MONDO:0011719, OMIM 606764, HP:0100723.

Allele frequency attached by ClinVar (database versions not stated): gnomAD 0.00002 and 0.00005; gnomAD exomes 0.00004 and 0.00006; ExAC 0.00005; TOPMed 0.00008; 1000 Genomes Project 30x 0.00031; 1000 Genomes Project 0.00040.
gnomAD v4.1: 65 of 1,610,710 alleles (0.004%); highest among the groups gnomAD compares: East Asian, 0.025%; no homozygotes.

Submissions (8):

Myriad Genetics, Inc.
Classification: Benign for Gastrointestinal stromal tumor. Last evaluated: 2026-06-04. Review status: criteria provided, single submitter. Criteria: Myriad Autosomal Dominant, Autosomal Recessive and X-Linked Classification Criteria (2023). Collection method: clinical testing. Allele origin: unknown.
Comment: This variant is considered benign. This variant is a silent/synonymous amino acid change and it is not expected to impact splicing.

Labcorp Genetics (formerly Invitae), Labcorp
Classification: Likely benign for Gastrointestinal stromal tumor. Last evaluated: 2025-12-31. Review status: criteria provided, single submitter. Criteria: Invitae Variant Classification Sherloc (09022015). Collection method: clinical testing. Allele origin: germline.

Blueprint Genetics
Classification: Likely benign. Last evaluated: 2023-11-30. Review status: criteria provided, single submitter. Criteria: ACMG Guidelines, 2015. Collection method: clinical testing. Allele origin: germline.

KCCC/NGS Laboratory, Kuwait Cancer Control Center
Classification: Likely benign for Gastrointestinal stromal tumor. Last evaluated: 2023-07-07. Review status: criteria provided, single submitter. Criteria: ACMG Guidelines, 2015. Collection method: clinical testing. Allele origin: germline. Affected: yes.

CeGaT Center for Human Genetics Tuebingen
Classification: Likely benign. Last evaluated: 2023-06-01. Review status: criteria provided, single submitter. Criteria: CeGaT Center For Human Genetics Tuebingen Variant Classification Criteria Version 2. Collection method: clinical testing. Allele origin: germline. Affected: yes. Observed: 1 variant allele.
Comment: KIT: BP4, BP7

Ambry Genetics
Classification: Likely benign for Hereditary cancer-predisposing syndrome. Last evaluated: 2020-02-10. Review status: criteria provided, single submitter. Criteria: Ambry Variant Classification Scheme 2023. Collection method: clinical testing. Allele origin: germline.

Breakthrough Genomics
Classification: Likely benign. Review status: criteria provided, single submitter. Criteria: ACMG Guidelines, 2015. Collection method: not provided. Allele origin: germline. Inheritance: Autosomal dominant inheritance. Affected: yes.

PreventionGenetics, part of Exact Sciences
Classification: Likely benign for KIT-related condition. Last evaluated: 2022-07-14. Review status: no assertion criteria provided. Collection method: clinical testing. Allele origin: germline. Not counted in ClinVar's aggregate classification.
Comment: This variant is classified as likely benign based on ACMG/AMP sequence variant interpretation guidelines (Richards et al. 2015 PMID: 25741868, with internal and published modifications).

NM_000222.3(KIT):c.2145C>T (p.Ser715=)

Gene: KIT (KIT proto-oncogene, receptor tyrosine kinase; plus strand). Cytogenetic location: 4q12.
Variant type: single nucleotide variant.
Coding change: c.2145C>T on transcript NM_000222.3 (MANE Select); coding-DNA position 2145, C replaced by T.
Protein change: p.Ser715=; no amino-acid change (serine 715 retained).
Molecular consequence: synonymous variant.
Genome position (GRCh38, 1-based): chr4:54,731,331, C>T. VCF-style: chr4-54731331-C-T. GRCh37 (hg19) VCF-style: chr4-55597497-C-T.
Other names: c.2133C>T, p.Ser711= (NM_001093772.2); c.2148C>T, p.Ser716= (NM_001385284.1); c.2142C>T, p.Cys714= (NM_001385285.1); c.2130C>T, p.Cys710= (NM_001385286.1); c.2136C>T, p.Ser712= (NM_001385288.1); c.2145C>T, p.Cys715= (NM_001385290.1); c.2133C>T, p.Cys711= (NM_001385292.1).
Identifiers: ClinVar variation 415809 (VCV000415809.42), dbSNP rs192110951, ClinGen allele CA2923670.